The following is an entry in ClinVar:

ClinVar aggregate classification (germline): Uncertain significance (1 of 4 stars; one submission).

Conditions:
Oligodontia-cancer predisposition syndrome. Also called: TOOTH AGENESIS-COLORECTAL CANCER SYNDROME. Identifiers: Orphanet 300576, MedGen C1837750, MONDO:0012075, OMIM 608615. Disease mechanism: loss of function.

Submission:

Labcorp Genetics (formerly Invitae), Labcorp
Classification: Uncertain significance for Oligodontia-cancer predisposition syndrome. Last evaluated: 2025-02-09. Review status: criteria provided, single submitter. Criteria: Invitae Variant Classification Sherloc (09022015). Collection method: clinical testing. Allele origin: germline.
Comment: This sequence change replaces cysteine, which is neutral and slightly polar, with tryptophan, which is neutral and slightly polar, at codon 541 of the AXIN2 protein (p.Cys541Trp). This variant is not present in population databases (gnomAD no frequency). This variant has not been reported in the literature in individuals affected with AXIN2-related conditions. Invitae Evidence Modeling of protein sequence and biophysical properties (such as structural, functional, and spatial information, amino acid conservation, physicochemical variation, residue mobility, and thermodynamic stability) has been performed for this missense variant. However, the output from this modeling did not meet the statistical confidence thresholds required to predict the impact of this variant on AXIN2 protein function. In summary, the available evidence is currently insufficient to determine the role of this variant in disease. Therefore, it has been classified as a Variant of Uncertain Significance.

NM_004655.4(AXIN2):c.1623C>G (p.Cys541Trp)

Gene: AXIN2 (axin 2; minus strand). Cytogenetic location: 17q24.1.
Variant type: single nucleotide variant.
Coding change: c.1623C>G on transcript NM_004655.4 (MANE Select); coding-DNA position 1623, C replaced by G.
Protein change: p.Cys541Trp; replaces cysteine 541 with tryptophan.
Molecular consequence: missense variant.
Genome position (GRCh38, 1-based): chr17:65,537,413, G>C on the plus strand (C>G on the coding strand, the complement: AXIN2 is on the minus strand). VCF-style: chr17-65537413-G-C. GRCh37 (hg19) VCF-style: chr17-63533531-G-C.
Other names: c.1623C>G, p.Cys541Trp (NM_001363813.1); short protein forms C541W.
Identifiers: ClinVar variation 4746683 (VCV004746683.1).